The following is an entry in ClinVar:

NM_015178.3(RHOBTB2):c.1251G>A (p.Met417Ile)

Gene: RHOBTB2 (Rho related BTB domain containing 2; plus strand). Cytogenetic location: 8p21.3.
Variant type: single nucleotide variant.
Coding change: c.1251G>A on transcript NM_015178.3 (MANE Select); coding-DNA position 1251, G replaced by A.
Protein change: p.Met417Ile; replaces methionine 417 with isoleucine.
Molecular consequence: missense variant.
Genome position (GRCh38, 1-based): chr8:23,007,496, G>A. VCF-style: chr8-23007496-G-A. GRCh37 (hg19) VCF-style: chr8-22865009-G-A.
Other names: c.1317G>A, p.Met439Ile (NM_001160036.2); c.1272G>A, p.Met424Ile (NM_001160037.2); c.1251G>A, p.Met417Ile (NM_001374791.1); short protein forms M439I, M417I, M424I.
Identifiers: ClinVar variation 3662630 (VCV003662630.2).

ClinVar aggregate classification (germline): Uncertain significance (1 of 4 stars; one submission).

Submission:

Labcorp Genetics (formerly Invitae), Labcorp
Classification: Uncertain significance. Last evaluated: 2026-01-05. Review status: criteria provided, single submitter. Criteria: Invitae Variant Classification Sherloc (09022015). Collection method: clinical testing. Allele origin: germline.
Comment: This sequence change replaces methionine, which is neutral and non-polar, with isoleucine, which is neutral and non-polar, at codon 439 of the RHOBTB2 protein (p.Met439Ile). This variant is not present in population databases (gnomAD no frequency). This variant has not been reported in the literature in individuals affected with RHOBTB2-related conditions. ClinVar contains an entry for this variant (Variation ID: 3662630). Invitae Evidence Modeling of protein sequence and biophysical properties (such as structural, functional, and spatial information, amino acid conservation, physicochemical variation, residue mobility, and thermodynamic stability) indicates that this missense variant is not expected to disrupt RHOBTB2 protein function with a negative predictive value of 80%. In summary, the available evidence is currently insufficient to determine the role of this variant in disease. Therefore, it has been classified as a Variant of Uncertain Significance.